The following is an entry in ClinVar:

NM_015295.3(SMCHD1):c.994A>G (p.Ile332Val)

Gene: SMCHD1 (structural maintenance of chromosomes flexible hinge domain containing 1; plus strand). Cytogenetic location: 18p11.32.
Variant type: single nucleotide variant.
Coding change: c.994A>G on transcript NM_015295.3 (MANE Select); coding-DNA position 994, A replaced by G.
Protein change: p.Ile332Val; replaces isoleucine 332 with valine.
Molecular consequence: missense variant.
Genome position (GRCh38, 1-based): chr18:2,694,647, A>G. VCF-style: chr18-2694647-A-G. GRCh37 (hg19) VCF-style: chr18-2694645-A-G.
Other names: c.994A>G (NM_015295.2); short protein forms I332V.
Identifiers: ClinVar variation 290145 (VCV000290145.14), dbSNP rs748848954, ClinGen allele CA8870667.

ClinVar aggregate classification (germline): Uncertain significance. Review status: criteria provided, multiple submitters, no conflicts (2 of 4 stars). 3 submissions from 3 submitters: Uncertain significance (3). Last evaluated 2022-03-26.

Conditions:
Inborn genetic diseases. Identifiers: MedGen C0950123, MeSH D030342.
Facioscapulohumeral muscular dystrophy 2 (FSHD2). Also called: MUSCULAR DYSTROPHY, FACIOSCAPULOHUMERAL, TYPE 1B; FACIOSCAPULOHUMERAL MUSCULAR DYSTROPHY 2, DIGENIC; FSHD2, DIGENIC. Identifiers: Orphanet 269, MedGen C1834671, MONDO:0008031, OMIM 158901.

Allele frequency attached by ClinVar (database versions not stated): TOPMed below 0.00001; ExAC 0.00001; gnomAD exomes 0.00001.
gnomAD v4.1: 16 of 1,613,168 alleles (0.00099%); highest among the groups gnomAD compares: Admixed American, 0.0017%; no homozygotes.

Submissions (3):

Labcorp Genetics (formerly Invitae), Labcorp
Classification: Uncertain significance for Facioscapulohumeral muscular dystrophy 2. Last evaluated: 2022-03-26. Review status: criteria provided, single submitter. Criteria: Invitae Variant Classification Sherloc (09022015). Collection method: clinical testing. Allele origin: germline.
Comment: In summary, the available evidence is currently insufficient to determine the role of this variant in disease. Therefore, it has been classified as a Variant of Uncertain Significance. Algorithms developed to predict the effect of missense changes on protein structure and function (SIFT, PolyPhen-2, Align-GVGD) all suggest that this variant is likely to be tolerated. ClinVar contains an entry for this variant (Variation ID: 290145). This variant has not been reported in the literature in individuals affected with SMCHD1-related conditions. This variant is present in population databases (rs748848954, gnomAD 0.03%). This sequence change replaces isoleucine, which is neutral and non-polar, with valine, which is neutral and non-polar, at codon 332 of the SMCHD1 protein (p.Ile332Val).

Ambry Genetics
Classification: Uncertain significance for Inborn genetic diseases. Last evaluated: 2022-01-26. Review status: criteria provided, single submitter. Criteria: Ambry Variant Classification Scheme 2023. Collection method: clinical testing. Allele origin: germline.

Eurofins Ntd Llc (ga)
Classification: Uncertain significance. Last evaluated: 2016-08-10. Review status: criteria provided, single submitter. Criteria: EGL Classification Definitions 2015. Collection method: clinical testing. Allele origin: germline. Observed: 1 variant allele, 1 heterozygote.